The following is an entry in ClinVar:

NM_001029883.3(PCARE):c.1238T>A (p.Leu413Gln)

Gene: PCARE (photoreceptor cilium actin regulator; minus strand). Cytogenetic location: 2p23.2.
Variant type: single nucleotide variant.
Coding change: c.1238T>A on transcript NM_001029883.3 (MANE Select); coding-DNA position 1238, T replaced by A.
Protein change: p.Leu413Gln; replaces leucine 413 with glutamine.
Molecular consequence: missense variant.
Genome position (GRCh38, 1-based): chr2:29,073,024, A>T on the plus strand (T>A on the coding strand, the complement: PCARE is on the minus strand). VCF-style: chr2-29073024-A-T. GRCh37 (hg19) VCF-style: chr2-29295890-A-T.
Other names: short protein forms L413Q.
Identifiers: ClinVar variation 1903720 (VCV001903720.3), dbSNP rs758499095, ClinGen allele CA346480606.

ClinVar aggregate classification (germline): Uncertain significance (1 of 4 stars; one submission).

Allele frequency attached by ClinVar (database versions not stated): gnomAD 0.00002; TOPMed 0.00002.
gnomAD v4.1: 8 of 1,614,014 alleles (0.0005%); highest among the groups gnomAD compares: Admixed American, 0.013%; no homozygotes.

Submission:

Labcorp Genetics (formerly Invitae), Labcorp
Classification: Uncertain significance. Last evaluated: 2023-11-27. Review status: criteria provided, single submitter. Criteria: Invitae Variant Classification Sherloc (09022015). Collection method: clinical testing. Allele origin: germline.
Comment: This sequence change replaces leucine, which is neutral and non-polar, with glutamine, which is neutral and polar, at codon 413 of the PCARE protein (p.Leu413Gln). This variant is not present in population databases (gnomAD no frequency). This variant has not been reported in the literature in individuals affected with PCARE-related conditions. ClinVar contains an entry for this variant (Variation ID: 1903720). An algorithm developed to predict the effect of missense changes on protein structure and function (PolyPhen-2) suggests that this variant¬†is likely to be tolerated. In summary, the available evidence is currently insufficient to determine the role of this variant in disease. Therefore, it has been classified as a Variant of Uncertain Significance.